The following is an entry in ClinVar:

NM_181700.2(PPP2R1B):c.1633G>C (p.Val545Leu)

Gene: PPP2R1B (protein phosphatase 2 scaffold subunit Abeta; minus strand). Cytogenetic location: 11q23.1.
Variant type: single nucleotide variant.
Coding change: c.1633G>C on transcript NM_181700.2; coding-DNA position 1633, G replaced by C.
Protein change: p.Val545Leu; replaces valine 545 with leucine.
Molecular consequence: missense variant.
Genome position (GRCh38, 1-based): chr11:111,737,534, C>G on the plus strand (G>C on the coding strand, the complement: PPP2R1B is on the minus strand). VCF-style: chr11-111737534-C-G. GRCh37 (hg19) VCF-style: chr11-111608258-C-G.
Other names: c.1825G>C, p.Val609Leu (NM_181699.3); short protein forms V545L, V609L.
Identifiers: ClinVar variation 3057072 (VCV003057072.2), dbSNP rs45568137, ClinGen allele CA6273647.
Genomic context (GRCh38, chr11:111,737,534, plus strand): 5'-TGGGTCTTGGGAAGTGGTTCTTGTCAGCCCGAGGGACACTGGGTTCTCCACTGTCCTTCA[C>G]AGGAAATTCTAGCTTCCTCAGCCTTTGTGCCACCACTAGAGACACAGACAGTGGCGCTGT-3'

ClinVar aggregate classification (germline): Benign (0 of 4 stars; one submission).

Conditions:
PPP2R1B-related disorder. Also called: PPP2R1B-related condition.

Allele frequency attached by ClinVar (database versions not stated): 1000 Genomes Project 0.01997; gnomAD 0.02866; 1000 Genomes Project 30x 0.02014; ESP Exome Variant Server 0.02755; TOPMed 0.03000; ExAC 0.03145.
gnomAD v4.1: 57,698 of 1,614,216 alleles (3.6%); highest among the groups gnomAD compares: Admixed American, 7.9%; 1,326 homozygotes.

Submission:

PreventionGenetics, part of Exact Sciences
Classification: Benign for PPP2R1B-related condition. Last evaluated: 2019-11-18. Review status: no assertion criteria provided. Collection method: clinical testing. Allele origin: germline.
Comment: This variant is classified as benign based on ACMG/AMP sequence variant interpretation guidelines (Richards et al. 2015 PMID: 25741868, with internal and published modifications).